The following is an entry in ClinVar:

ClinVar aggregate classification (germline): Uncertain significance (1 of 4 stars; one submission).

Submission:

Women's Health and Genetics/Laboratory Corporation of America, LabCorp
Classification: Uncertain significance. Last evaluated: 2018-02-22. Review status: criteria provided, single submitter. Criteria: LabCorp Variant Classification Summary - May 2015. Collection method: clinical testing. Allele origin: germline.
Comment: Variant summary: STAT3 c.1366-20A>G alters a non-conserved intronic nucleotide that could alter mRNA splicing, although 5/5 computational tools predict no significant effect on normal splicing. However, these predictions have yet to be confirmed by functional studies. The variant was absent in 120986 control chromosomes (ExAC). The available data on variant occurrences in the general population are insufficient to allow any conclusion about variant significance. To our knowledge, no occurrence of c.1366-20A>G in individuals affected with Hyper IgE Syndrome and no experimental evidence demonstrating its impact on protein function have been reported. No clinical diagnostic laboratories have submitted clinical-significance assessments for this variant to ClinVar after 2014. Based on the evidence outlined above, the variant was classified as uncertain significance.

NM_139276.3(STAT3):c.1366-20A>G

Gene: STAT3 (signal transducer and activator of transcription 3; minus strand). Cytogenetic location: 17q21.2.
Variant type: single nucleotide variant.
Coding change: c.1366-20A>G on transcript NM_139276.3 (MANE Select); 20 bases into the intron before coding-DNA position 1366, A replaced by G.
Molecular consequence: intron variant.
Genome position (GRCh38, 1-based): chr17:42,325,081, T>C on the plus strand (A>G on the coding strand, the complement: STAT3 is on the minus strand). VCF-style: chr17-42325081-T-C. GRCh37 (hg19) VCF-style: chr17-40477099-T-C.
Other names: c.1270-20A>G (NM_001384989.1); c.1306-20A>G (NM_001384992.1); c.1282-20A>G (NM_001384984.1); c.1366-20A>G (NM_001369519.1, NM_003150.4, NM_001369517.1 and 11 more transcripts); c.1288-20A>G (NM_001384985.1); c.1381-20A>G (NM_001384986.1, NM_001384990.1).
Identifiers: ClinVar variation 633009 (VCV000633009.1), dbSNP rs1567710255, ClinGen allele CA913191125.